The following is an entry in ClinVar:

NM_174934.4(SCN4B):c.-15G>A

Gene: SCN4B (sodium voltage-gated channel beta subunit 4; minus strand). Cytogenetic location: 11q23.3.
Variant type: single nucleotide variant.
Coding change: c.-15G>A on transcript NM_174934.4 (MANE Select); 15 bases upstream of the start codon, G replaced by A.
Molecular consequence: 5 prime UTR variant.
Genome position (GRCh38, 1-based): chr11:118,152,688, C>T on the plus strand (G>A on the coding strand, the complement: SCN4B is on the minus strand). VCF-style: chr11-118152688-C-T. GRCh37 (hg19) VCF-style: chr11-118023403-C-T.
Other names: c.-15G>A (NM_001142348.2).
Identifiers: ClinVar variation 302650 (VCV000302650.5), dbSNP rs777218649, ClinGen allele CA6300358.

ClinVar aggregate classification (germline): Likely benign (1 of 4 stars; one submission).

Allele frequency attached by ClinVar (database versions not stated): gnomAD 0.00005; ExAC 0.00008; TOPMed 0.00003; gnomAD exomes 0.00007 and 0.00003.
gnomAD v4.1: 56 of 1,580,042 alleles (0.0035%); highest among the groups gnomAD compares: Non-Finnish European, 0.0012%; 1 homozygote.

Submission:

GeneDx
Classification: Likely benign. Last evaluated: 2016-06-29. Review status: criteria provided, single submitter. Criteria: GeneDx Variant Classification (06012015). Collection method: clinical testing. Allele origin: germline. Affected: yes.
Comment: This variant is considered likely benign or benign based on one or more of the following criteria: it is a conservative change, it occurs at a poorly conserved position in the protein, it is predicted to be benign by multiple in silico algorithms, and/or has population frequency not consistent with disease.